The following is an entry in ClinVar:

NM_182914.3(SYNE2):c.6476T>C (p.Ile2159Thr)

Gene: SYNE2 (spectrin repeat containing nuclear envelope protein 2; plus strand). Cytogenetic location: 14q23.2.
Variant type: single nucleotide variant.
Coding change: c.6476T>C on transcript NM_182914.3 (MANE Select); coding-DNA position 6476, T replaced by C.
Protein change: p.Ile2159Thr; replaces isoleucine 2159 with threonine.
Molecular consequence: missense variant.
Genome position (GRCh38, 1-based): chr14:64,027,555, T>C. VCF-style: chr14-64027555-T-C. GRCh37 (hg19) VCF-style: chr14-64494273-T-C.
Other names: c.6476T>C, p.Ile2159Thr (NM_015180.6); short protein forms I2159T.
Identifiers: ClinVar variation 2918951 (VCV002918951.3), dbSNP rs370972514, ClinGen allele CA7220712.
Genomic context (GRCh38, chr14:64,027,555, plus strand): 5'-AGCTTCTACTAGAAGGAGAGAAATATTTACAAAGTAAGGAGGATCTGAGATTAATGCTCA[T>C]AGAACTAAAGAAGAAACAGGAAGCAGGCTTTGCTCTACAACATGGTCTGCAGGAGAAGAA-3'
Protein context (NP_878918.2, residues 2149-2169): QSKEDLRLML[Ile2159Thr]ELKKKQEAGF

ClinVar aggregate classification (germline): Uncertain significance (1 of 4 stars; one submission).

Conditions:
Emery-Dreifuss muscular dystrophy 5, autosomal dominant (EDMD5). Also called: EMERY-DREIFUSS MUSCULAR DYSTROPHY 5. Identifiers: Orphanet 261, MedGen C2751805, MONDO:0013072, OMIM 612999.

Allele frequency attached by ClinVar (database versions not stated): TOPMed below 0.00001; ExAC 0.00001; gnomAD 0.00001; gnomAD exomes 0.00001; ESP Exome Variant Server 0.00008.
gnomAD v4.1: 13 of 1,611,156 alleles (0.00081%); highest among the groups gnomAD compares: African/African-American, 0.0013%; no homozygotes.

Submission:

Labcorp Genetics (formerly Invitae), Labcorp
Classification: Uncertain significance for Emery-Dreifuss muscular dystrophy 5, autosomal dominant. Last evaluated: 2023-12-22. Review status: criteria provided, single submitter. Criteria: Invitae Variant Classification Sherloc (09022015). Collection method: clinical testing. Allele origin: germline.
Comment: This sequence change replaces isoleucine, which is neutral and non-polar, with threonine, which is neutral and polar, at codon 2159 of the SYNE2 protein (p.Ile2159Thr). This variant is present in population databases (rs370972514, gnomAD 0.0009%). This variant has not been reported in the literature in individuals affected with SYNE2-related conditions. Algorithms developed to predict the effect of missense changes on protein structure and function output the following: SIFT: "Not Available"; PolyPhen-2: "Benign"; Align-GVGD: "Not Available". The threonine amino acid residue is found in multiple mammalian species, which suggests that this missense change does not adversely affect protein function. In summary, the available evidence is currently insufficient to determine the role of this variant in disease. Therefore, it has been classified as a Variant of Uncertain Significance.